The following is an entry in ClinVar:

NM_001792.5(CDH2):c.487A>G (p.Ile163Val)

Gene: CDH2 (cadherin 2; minus strand). Cytogenetic location: 18q12.1.
Variant type: single nucleotide variant.
Coding change: c.487A>G on transcript NM_001792.5 (MANE Select); coding-DNA position 487, A replaced by G.
Protein change: p.Ile163Val; replaces isoleucine 163 with valine.
Molecular consequence: missense variant.
Genome position (GRCh38, 1-based): chr18:28,011,905, T>C on the plus strand (A>G on the coding strand, the complement: CDH2 is on the minus strand). VCF-style: chr18-28011905-T-C. GRCh37 (hg19) VCF-style: chr18-25591869-T-C.
Other names: c.394A>G, p.Ile132Val (NM_001308176.2); short protein forms I163V, I132V.
Identifiers: ClinVar variation 1996165 (VCV001996165.4), dbSNP rs2510816891, ClinGen allele CA402243864.
Genomic context (GRCh38, chr18:28,011,905, plus strand): 5'-CCCTGACAAGCTCTTGAGGAAAAGGTCCCCTGGAGTTTTCTGGCAAGTTGATTGGAGGGA[T>C]GACCCAGTCTCTCTTCTGCCTTTGTAGGTGGCCACTGTGCTTACTGAATTGTCTTGGGAA-3'
Protein context (NP_001783.2, residues 153-173): HLQRQKRDWV[Ile163Val]PPINLPENSR

ClinVar aggregate classification (germline): Uncertain significance (1 of 4 stars; one submission).

Submission:

Labcorp Genetics (formerly Invitae), Labcorp
Classification: Uncertain significance. Last evaluated: 2022-05-18. Review status: criteria provided, single submitter. Criteria: Invitae Variant Classification Sherloc (09022015). Collection method: clinical testing. Allele origin: germline.
Comment: Algorithms developed to predict the effect of missense changes on protein structure and function are either unavailable or do not agree on the potential impact of this missense change (SIFT: "Deleterious"; PolyPhen-2: "Probably Damaging"; Align-GVGD: "Class C0"). In summary, the available evidence is currently insufficient to determine the role of this variant in disease. Therefore, it has been classified as a Variant of Uncertain Significance. This variant has not been reported in the literature in individuals affected with CDH2-related conditions. This variant is not present in population databases (gnomAD no frequency). This sequence change replaces isoleucine, which is neutral and non-polar, with valine, which is neutral and non-polar, at codon 163 of the CDH2 protein (p.Ile163Val).